The following is an entry in ClinVar:

ClinVar aggregate classification (germline): Uncertain significance. Review status: criteria provided, single submitter (1 of 4 stars). 2 submissions from 2 submitters: Uncertain significance (1). 1 of the submissions does not count toward it. Last evaluated 2025-12-14.

Conditions:
APC-related disorder. Also called: APC-related condition.
Familial adenomatous polyposis 1 (FAP1). Also called: FAMILIAL ADENOMATOUS POLYPOSIS 1, ATTENUATED; POLYPOSIS, ADENOMATOUS INTESTINAL. Identifiers: MedGen C2713442, MONDO:0021056, OMIM 175100. Disease mechanism: loss of function.

Allele frequency attached by ClinVar (database versions not stated): gnomAD 0.00004 and 0.00003; TOPMed 0.00002.
gnomAD v4.1: 6 of 454,052 alleles (0.0013%); highest among the groups gnomAD compares: African/African-American, 0.012%; no homozygotes.

Submissions (2):

Labcorp Genetics (formerly Invitae), Labcorp
Classification: Uncertain significance for Familial adenomatous polyposis 1. Last evaluated: 2025-12-14. Review status: criteria provided, single submitter. Criteria: Invitae Variant Classification Sherloc (09022015). Collection method: clinical testing. Allele origin: germline.
Comment: This variant occurs in a non-coding region of the APC gene. It does not change the encoded amino acid sequence of the APC protein. This variant is present in population databases (no rsID available, gnomAD 0.02%). This variant has not been reported in the literature in individuals affected with APC-related conditions. ClinVar contains an entry for this variant (Variation ID: 469860). Experimental studies and prediction algorithms are not available or were not evaluated, and the functional significance of this variant is currently unknown. In summary, the available evidence is currently insufficient to determine the role of this variant in disease. Therefore, it has been classified as a Variant of Uncertain Significance.

PreventionGenetics, part of Exact Sciences
Classification: Likely benign for APC-related condition. Last evaluated: 2022-01-26. Review status: no assertion criteria provided. Collection method: clinical testing. Allele origin: germline. Not counted in ClinVar's aggregate classification.
Comment: This variant is classified as likely benign based on ACMG/AMP sequence variant interpretation guidelines (Richards et al. 2015 PMID: 25741868, with internal and published modifications).

NM_001127511.3(APC):c.-212G>A

Genes: APC (APC regulator of Wnt signaling pathway; plus strand), LOC129994371 (ATAC-STARR-seq lymphoblastoid active region 22910; plus strand). Cytogenetic location: 5q22.2.
Variant type: single nucleotide variant.
Coding change: c.-212G>A on transcript NM_001127511.3; 212 bases upstream of the start codon, G replaced by A.
Molecular consequence: 5 prime UTR variant. On other transcripts: non-coding transcript variant (2).
Genome position (GRCh38, 1-based): chr5:112,707,506, G>A. VCF-style: chr5-112707506-G-A. GRCh37 (hg19) VCF-style: chr5-112043203-G-A.
Other names: c.-395G>A (NM_001354895.2, NM_001407447.1, NM_001407452.1 and 3 more transcripts); c.-212G>A (NM_001354897.2, NM_001354902.2, NM_001407446.1); c.-162G>A (NM_001407448.1, NM_001407450.1, NM_001407457.1 and 1 more transcripts); c.-186G>A (NM_001407453.1); c.-1430G>A (NM_001407470.1, NM_001407472.1).
Identifiers: ClinVar variation 469860 (VCV000469860.11), dbSNP rs930090983, ClinGen allele CA124924783.